The following is an entry in ClinVar:

ClinVar aggregate classification (germline): Likely benign. Review status: criteria provided, multiple submitters, no conflicts (2 of 4 stars). 2 submissions from 2 submitters: Likely benign (2). Last evaluated 2018-01-13.

Conditions:
Autosomal recessive nonsyndromic hearing loss 4 (DFNB4). Also called: Deafness, autosomal recessive 4; Enlarged vestibular aqueduct, digenic; Nonsyndromic enlarged vestibular aqueduct (NSEVA); FOXI1-Related Pendred Syndrome; KCNJ10-Related Pendred Syndrome; DEAFNESS, AUTOSOMAL RECESSIVE 4, WITH ENLARGED VESTIBULAR AQUEDUCT, DIGENIC. Identifiers: Orphanet 90636, MedGen C3538946, MONDO:0010933, OMIM 600791.

Allele frequency attached by ClinVar (database versions not stated): TOPMed 0.01561; gnomAD 0.01897 and 0.02059; gnomAD exomes 0.02412; 1000 Genomes Project 30x 0.02420; 1000 Genomes Project 0.02596.

Submissions (2):

Illumina Laboratory Services, Illumina
Classification: Likely benign for Autosomal recessive nonsyndromic hearing loss 4. Last evaluated: 2018-01-13. Review status: criteria provided, single submitter. Criteria: ICSL Variant Classification Criteria 13 December 2019. Collection method: clinical testing. Allele origin: germline.
Comment: This variant was observed in the ICSL laboratory as part of a predisposition screen in an ostensibly healthy population. It had not been previously curated by ICSL or reported in the Human Gene Mutation Database (HGMD: prior to June 1st, 2018), and was therefore a candidate for classification through an automated scoring system. Utilizing variant allele frequency, disease prevalence and penetrance estimates, and inheritance mode, an automated score was calculated to assess if this variant is too frequent to cause the disease. Based on the score and internal cut-off values, a variant classified as likely benign is not then subjected to further curation. The score for this variant resulted in a classification of likely benign for this disease.

Breakthrough Genomics
Classification: Likely benign. Review status: criteria provided, single submitter. Criteria: ACMG Guidelines, 2015. Collection method: not provided. Allele origin: germline. Inheritance: Autosomal recessive inheritance. Affected: yes.

NM_012188.5(FOXI1):c.*331G>C

Gene: FOXI1 (forkhead box I1; plus strand). Cytogenetic location: 5q35.1.
Variant type: single nucleotide variant.
Coding change: c.*331G>C on transcript NM_012188.5 (MANE Select); 331 bases downstream of the stop codon, G replaced by C.
Molecular consequence: 3 prime UTR variant.
Genome position (GRCh38, 1-based): chr5:170,108,942, G>C. VCF-style: chr5-170108942-G-C. GRCh37 (hg19) VCF-style: chr5-169535946-G-C.
Other names: c.*331G>C (NM_144769.4).
Identifiers: ClinVar variation 904692 (VCV000904692.5), dbSNP rs72828668, ClinGen allele CA12016286.
Genomic context (GRCh38, chr5:170,108,942, plus strand): 5'-CACACTTACTATTGACAGTCACCCCGTAAGGTTCACAAACCACCCCATTGAACAGATGAG[G>C]AACTGAGGCTCAAGGAGGTTAAGTAACATTTCCAGGGTTATATAAACTAGTAAATGGCAG-3'